The following is an entry in ClinVar:

NM_001113378.2(FANCI):c.467G>A (p.Cys156Tyr)

Gene: FANCI (FA complementation group I; plus strand). Cytogenetic location: 15q26.1.
Variant type: single nucleotide variant.
Coding change: c.467G>A on transcript NM_001113378.2 (MANE Select); coding-DNA position 467, G replaced by A.
Protein change: p.Cys156Tyr; replaces cysteine 156 with tyrosine.
Molecular consequence: missense variant.
Genome position (GRCh38, 1-based): chr15:89,261,842, G>A. VCF-style: chr15-89261842-G-A. GRCh37 (hg19) VCF-style: chr15-89805073-G-A.
Other names: c.188G>A, p.Cys63Tyr (NM_001376910.1); c.467G>A, p.Cys156Tyr (NM_001376911.1, NM_018193.3); short protein forms C156Y, C63Y.
Identifiers: ClinVar variation 317261 (VCV000317261.20), dbSNP rs112387610, ClinGen allele CA7722634.

ClinVar aggregate classification (germline): Conflicting classifications of pathogenicity. Review status: criteria provided, conflicting classifications (1 of 4 stars). 7 submissions from 7 submitters: Uncertain significance (5); Likely benign (1). 1 of the submissions does not count toward it. Last evaluated 2026-01-18.

Conditions:
FANCI-related disorder. Also called: FANCI-related condition.
Fanconi anemia (FA). Also called: Fanconi's anemia. Identifiers: Orphanet 84, MedGen C0015625, MeSH D005199, MONDO:0019391.
Fanconi anemia complementation group I (FANCI). Also called: FANCI-Related Fanconi Anemia. Identifiers: Orphanet 84, MedGen C1836861, MONDO:0012186, OMIM 609053.

Allele frequency attached by ClinVar (database versions not stated): gnomAD exomes 0.00004 and 0.00021; ExAC 0.00018; gnomAD 0.00019 and 0.00026; TOPMed 0.00020; 1000 Genomes Project 0.00180; 1000 Genomes Project 30x 0.00187; ESP Exome Variant Server 0.00023.
gnomAD v4.1: 132 of 1,613,894 alleles (0.0082%); highest among the groups gnomAD compares: East Asian, 0.11%; no homozygotes.

Submissions (7):

Labcorp Genetics (formerly Invitae), Labcorp
Classification: Uncertain significance for Fanconi anemia. Last evaluated: 2026-01-18. Review status: criteria provided, single submitter. Criteria: Invitae Variant Classification Sherloc (09022015). Collection method: clinical testing. Allele origin: germline.
Comment: This sequence change replaces cysteine, which is neutral and slightly polar, with tyrosine, which is neutral and polar, at codon 156 of the FANCI protein (p.Cys156Tyr). This variant is present in population databases (rs112387610, gnomAD 0.2%). This variant has not been reported in the literature in individuals affected with FANCI-related conditions. ClinVar contains an entry for this variant (Variation ID: 317261). Invitae Evidence Modeling of protein sequence and biophysical properties (such as structural, functional, and spatial information, amino acid conservation, physicochemical variation, residue mobility, and thermodynamic stability) indicates that this missense variant is not expected to disrupt FANCI protein function with a negative predictive value of 80%. In summary, the available evidence is currently insufficient to determine the role of this variant in disease. Therefore, it has been classified as a Variant of Uncertain Significance.

GeneDx
Classification: Uncertain significance. Last evaluated: 2025-01-08. Review status: criteria provided, single submitter. Criteria: GeneDx Variant Classification Process June 2021. Collection method: clinical testing. Allele origin: germline. Affected: yes.
Comment: Identified as a single heterozygous variant in a proband with acute myeloid leukemia and disseminated visceral Kaposi sarcoma and in a proband with very early onset inflammatory bowel disease (PMID: 35280783; Musburger et al. (2024) J Community Med Public Health. 8 (1)); Reported heterozygous in two samples from a study evaluating germline and somatic variants in patients with breast cancer, but no additional clinical or segregation information was provided (PMID: 32091409); Reported as a germline variant identified in a study of patients with early-onset colorectal cancer, but no additional clinical or segregation information was provided (PMID: 31360874); In silico analysis indicates that this missense variant does not alter protein structure/function; This variant is associated with the following publications: (PMID: 35280783, Musburger2024[article], 31360874, 32091409)

Blueprint Genetics
Classification: Likely benign. Last evaluated: 2024-10-31. Review status: criteria provided, single submitter. Criteria: ACMG Guidelines, 2015. Collection method: clinical testing. Allele origin: germline.

Fulgent Genetics
Classification: Uncertain significance for Fanconi anemia complementation group I. Last evaluated: 2024-04-29. Review status: criteria provided, single submitter. Criteria: ACMG Guidelines, 2015. Collection method: clinical testing. Allele origin: germline.

Baylor Genetics
Classification: Uncertain significance for Fanconi anemia complementation group I. Last evaluated: 2018-07-09. Review status: criteria provided, single submitter. Criteria: ACMG Guidelines, 2015. Collection method: clinical testing. Allele origin: maternal. Affected: yes.
Comment: This variant was determined to be of uncertain significance according to ACMG Guidelines, 2015 [PMID:25741868].

Illumina Laboratory Services, Illumina
Classification: Uncertain significance for Fanconi anemia complementation group I. Last evaluated: 2018-01-12. Review status: criteria provided, single submitter. Criteria: ICSL Variant Classification Criteria 13 December 2019. Collection method: clinical testing. Allele origin: germline.

PreventionGenetics, part of Exact Sciences
Classification: Likely benign for FANCI-related condition. Last evaluated: 2023-01-31. Review status: no assertion criteria provided. Collection method: clinical testing. Allele origin: germline. Not counted in ClinVar's aggregate classification.
Comment: This variant is classified as likely benign based on ACMG/AMP sequence variant interpretation guidelines (Richards et al. 2015 PMID: 25741868, with internal and published modifications).